The following is an entry in ClinVar:

NM_005269.3(GLI1):c.1103G>A (p.Gly368Asp)

Gene: GLI1 (GLI family zinc finger 1; plus strand). Cytogenetic location: 12q13.3.
Variant type: single nucleotide variant.
Coding change: c.1103G>A on transcript NM_005269.3 (MANE Select); coding-DNA position 1103, G replaced by A.
Protein change: p.Gly368Asp; replaces glycine 368 with aspartic acid.
Molecular consequence: missense variant.
Genome position (GRCh38, 1-based): chr12:57,468,019, G>A. VCF-style: chr12-57468019-G-A. GRCh37 (hg19) VCF-style: chr12-57861802-G-A.
Other names: c.719G>A, p.Gly240Asp (NM_001160045.2); c.980G>A, p.Gly327Asp (NM_001167609.2); short protein forms G240D, G327D, G368D.
Identifiers: ClinVar variation 2268243 (VCV002268243.3), dbSNP rs746732590, ClinGen allele CA6648725.

ClinVar aggregate classification (germline): Uncertain significance. Review status: criteria provided, multiple submitters, no conflicts (2 of 4 stars). 2 submissions from 2 submitters: Uncertain significance (2). Last evaluated 2025-08-13.

Allele frequency attached by ClinVar (database versions not stated): gnomAD 0.00001; gnomAD exomes below 0.00001; TOPMed below 0.00001; ExAC 0.00001.
gnomAD v4.1: 2 of 1,613,926 alleles (0.00012%); highest among the groups gnomAD compares: Non-Finnish European, 0.00017%; no homozygotes.

Submissions (2):

GeneDx
Classification: Uncertain significance. Last evaluated: 2025-08-13. Review status: criteria provided, single submitter. Criteria: GeneDx Variant Classification Process June 2021. Collection method: clinical testing. Allele origin: germline. Affected: yes.
Comment: Not observed at significant frequency in large population cohorts (gnomAD); In silico analysis supports that this missense variant has a deleterious effect on protein structure/function; Has not been previously published as pathogenic or benign to our knowledge

Ambry Genetics
Classification: Uncertain significance. Last evaluated: 2021-12-20. Review status: criteria provided, single submitter. Criteria: Ambry Variant Classification Scheme 2023. Collection method: clinical testing. Allele origin: germline.